The following is an entry in ClinVar:

NM_001330260.2(SCN8A):c.2460dup (p.Asp821Ter)

Gene: SCN8A (sodium voltage-gated channel alpha subunit 8; plus strand). Cytogenetic location: 12q13.13.
Variant type: Duplication.
Coding change: c.2460dup on transcript NM_001330260.2 (MANE Select); coding-DNA position 2460, one base duplicated (T; older notation c.2460dupT).
Protein change: p.Asp821Ter; replaces aspartic acid 821 with a stop codon.
Molecular consequence: nonsense.
Genome position (GRCh38, 1-based): chr12:51,762,592, T duplicated; the last of 5 consecutive T bases (chr12:51,762,588-51,762,592); duplicating any one gives the same sequence. VCF-style (leftmost placement, unchanged base first): chr12-51762587-A-AT. GRCh37 (hg19) VCF-style: chr12-52156371-A-AT.
Other names: c.2460dup, p.Asp821Ter (NM_001177984.3, NM_001369788.1, NM_014191.4); short protein forms D821*.
Identifiers: ClinVar variation 589439 (VCV000589439.6), dbSNP rs1565915356, ClinGen allele CA891843491.

ClinVar aggregate classification (germline): Pathogenic (1 of 4 stars; one submission).

Conditions:
Inborn genetic diseases. Identifiers: MedGen C0950123, MeSH D030342.

Submission:

Ambry Genetics
Classification: Pathogenic for Inborn genetic diseases. Last evaluated: 2016-10-28. Review status: criteria provided, single submitter. Criteria: Ambry Variant Classification Scheme 2023. Collection method: clinical testing. Allele origin: germline.
Comment: The c.2460dupT pathogenic mutation, located in coding exon 14 of the SCN8A gene, results from a duplication of T at nucleotide position 2460, causing a translational frameshift with a predicted alternate stop codon. This alteration is expected to result in loss of function by premature protein truncation or nonsense-mediated mRNA decay. As such, this alteration is interpreted as a disease-causing mutation.

Literature cited by the submitters: PubMed 25725044.